The following is an entry in ClinVar:

ClinVar aggregate classification (germline): Uncertain significance (1 of 4 stars; one submission).

Conditions:
Developmental and epileptic encephalopathy, 30 (DEE30). Also called: Epileptic encephalopathy, early infantile, 30. Identifiers: MedGen C4225360, MONDO:0014595, OMIM 616341.

Submission:

Labcorp Genetics (formerly Invitae), Labcorp
Classification: Uncertain significance for Developmental and epileptic encephalopathy, 30. Last evaluated: 2023-12-16. Review status: criteria provided, single submitter. Criteria: Invitae Variant Classification Sherloc (09022015). Collection method: clinical testing. Allele origin: germline.
Comment: This sequence change creates a premature translational stop signal (p.Arg365Glnfs*39) in the SIK1 gene. It is expected to result in an absent or disrupted protein product. However, the current clinical and genetic evidence is not sufficient to establish whether loss-of-function variants in SIK1 cause disease. This variant is not present in population databases (gnomAD no frequency). This variant has not been reported in the literature in individuals affected with SIK1-related conditions. In summary, the available evidence is currently insufficient to determine the role of this variant in disease. Therefore, it has been classified as a Variant of Uncertain Significance.

NM_173354.5(SIK1):c.1094_1107del (p.Arg365fs)

Gene: SIK1 (salt inducible kinase 1; minus strand). Cytogenetic location: 21q22.3.
Variant type: Deletion.
Coding change: c.1094_1107del on transcript NM_173354.5 (MANE Select); coding-DNA positions 1094 to 1107, 14 bases deleted (GGAGCTCGGACCTC).
Protein change: p.Arg365fs; shifts the reading frame from arginine 365.
Molecular consequence: frameshift variant.
Genome position (GRCh38, 1-based): chr21:43,419,871-43,419,884, GAGGTCCGAGCTCC deleted on the plus strand (GGAGCTCGGACCTC on the coding strand, the reverse complement: SIK1 is on the minus strand); deleting any 14 consecutive bases within chr21:43,419,871-43,419,888 gives the same sequence; the c. name uses the placement nearest the transcript's 3' end. VCF-style (leftmost placement, unchanged base first): chr21-43419870-TGAGGTCCGAGCTCC-T. GRCh37 (hg19) VCF-style: chr21-44839750-TGAGGTCCGAGCTCC-T.
Other names: short protein forms R365fs.
Identifiers: ClinVar variation 2772187 (VCV002772187.3), dbSNP rs2516966375, ClinGen allele CA2697547552.